The following is an entry in ClinVar:

ClinVar aggregate classification (germline): Pathogenic/Likely pathogenic. Review status: criteria provided, multiple submitters, no conflicts (2 of 4 stars). 2 submissions from 2 submitters: Pathogenic (1); Likely pathogenic (1). Last evaluated 2023-09-16.

Conditions:
FANCI-related disorder. Also called: FANCI-related condition.
Fanconi anemia (FA). Also called: Fanconi's anemia. Identifiers: Orphanet 84, MedGen C0015625, MeSH D005199, MONDO:0019391.

Allele frequency attached by ClinVar (database versions not stated): TOPMed below 0.00001.

Submissions (2):

PreventionGenetics, part of Exact Sciences
Classification: Likely pathogenic for FANCI-related condition. Last evaluated: 2023-09-16. Review status: criteria provided, single submitter. Criteria: ACMG Guidelines, 2015. Collection method: clinical testing. Allele origin: germline.
Comment: The FANCI c.1051C>T variant is predicted to result in premature protein termination (p.Gln351*). To our knowledge, this variant has not been reported in the literature or in a large population database, indicating this variant is rare. Nonsense variants in FANCI are expected to be pathogenic. This variant is interpreted as likely pathogenic.

Labcorp Genetics (formerly Invitae), Labcorp
Classification: Pathogenic for Fanconi anemia. Last evaluated: 2022-07-08. Review status: criteria provided, single submitter. Criteria: Invitae Variant Classification Sherloc (09022015). Collection method: clinical testing. Allele origin: germline.
Comment: For these reasons, this variant has been classified as Pathogenic. Algorithms developed to predict the effect of sequence changes on RNA splicing suggest that this variant may disrupt the consensus splice site. This variant has not been reported in the literature in individuals affected with FANCI-related conditions. This variant is not present in population databases (gnomAD no frequency). This sequence change creates a premature translational stop signal (p.Gln351*) in the FANCI gene. It is expected to result in an absent or disrupted protein product. Loss-of-function variants in FANCI are known to be pathogenic (PMID: 17452773, 17460694).

Literature cited by the submitters: PubMed 17452773 (cited by Labcorp Genetics (formerly Invitae), Labcorp); PubMed 17460694 (cited by Labcorp Genetics (formerly Invitae), Labcorp).

NM_001113378.2(FANCI):c.1051C>T (p.Gln351Ter)

Gene: FANCI (FA complementation group I; plus strand). Cytogenetic location: 15q26.1.
Variant type: single nucleotide variant.
Coding change: c.1051C>T on transcript NM_001113378.2 (MANE Select); coding-DNA position 1051, C replaced by T.
Protein change: p.Gln351Ter; replaces glutamine 351 with a stop codon.
Molecular consequence: nonsense.
Genome position (GRCh38, 1-based): chr15:89,274,243, C>T. VCF-style: chr15-89274243-C-T. GRCh37 (hg19) VCF-style: chr15-89817474-C-T.
Other names: c.772C>T, p.Gln258Ter (NM_001376910.1); c.1051C>T, p.Gln351Ter (NM_001376911.1, NM_018193.3); short protein forms Q351*, Q258*.
Identifiers: ClinVar variation 2015154 (VCV002015154.5), dbSNP rs1222323889, ClinGen allele CA393741661.